The following is an entry in ClinVar:

ClinVar aggregate classification (germline): Uncertain significance. Review status: criteria provided, multiple submitters, no conflicts (2 of 4 stars). 2 submissions from 2 submitters: Uncertain significance (2). Last evaluated 2025-02-20.

Allele frequency attached by ClinVar (database versions not stated): gnomAD 0.00001; gnomAD exomes 0.00001 and 0.00004; ExAC 0.00003; TOPMed 0.00004.
gnomAD v4.1: 54 of 1,593,784 alleles (0.0034%); highest among the groups gnomAD compares: Non-Finnish European, 0.0045%; no homozygotes.

Submissions (2):

Ambry Genetics
Classification: Uncertain significance. Last evaluated: 2025-02-20. Review status: criteria provided, single submitter. Criteria: Ambry Variant Classification Scheme 2023. Collection method: clinical testing. Allele origin: germline.

Labcorp Genetics (formerly Invitae), Labcorp
Classification: Uncertain significance. Last evaluated: 2022-07-12. Review status: criteria provided, single submitter. Criteria: Invitae Variant Classification Sherloc (09022015). Collection method: clinical testing. Allele origin: germline.
Comment: This sequence change replaces serine with glycine at codon 455 of the EXOC6B protein (p.Ser455Gly). The serine residue is moderately conserved and there is a small physicochemical difference between serine and glycine. In summary, the available evidence is currently insufficient to determine the role of this variant in disease. Therefore, it has been classified as a Variant of Uncertain Significance. Algorithms developed to predict the effect of sequence changes on RNA splicing suggest that this variant may disrupt the consensus splice site. Experimental studies and prediction algorithms are not available or were not evaluated, and the functional significance of this variant is currently unknown. ClinVar contains an entry for this variant (Variation ID: 1406626). This variant has not been reported in the literature in individuals affected with EXOC6B-related conditions. The frequency data for this variant in the population databases is considered unreliable, as metrics indicate poor data quality at this position in the gnomAD database.

NM_015189.3(EXOC6B):c.1363A>G (p.Ser455Gly)

Gene: EXOC6B (exocyst complex component 6B; minus strand). Cytogenetic location: 2p13.2.
Variant type: single nucleotide variant.
Coding change: c.1363A>G on transcript NM_015189.3 (MANE Select); coding-DNA position 1363, A replaced by G.
Protein change: p.Ser455Gly; replaces serine 455 with glycine.
Molecular consequence: missense variant. On other transcripts: non-coding transcript variant (2).
Genome position (GRCh38, 1-based): chr2:72,496,534, T>C on the plus strand (A>G on the coding strand, the complement: EXOC6B is on the minus strand). VCF-style: chr2-72496534-T-C. GRCh37 (hg19) VCF-style: chr2-72723663-T-C.
Other names: c.1363A>G, p.Ser455Gly (NM_001321729.2, NM_001321730.2, NM_001321731.2 and 1 more transcripts); c.1024A>G, p.Ser342Gly (NM_001321734.2); c.1363A>G (NM_015189.1); short protein forms S342G, S455G.
Identifiers: ClinVar variation 1406626 (VCV001406626.5), dbSNP rs746947544, ClinGen allele CA1708474.
Genomic context (GRCh38, chr2:72,496,534, plus strand): 5'-GAAATGGGAATTGTCCTACCACCTTTTTGTACATCTCTTCACTTGTTACTGGTATAGGAC[T>C]GTAGTTGTCAGAATCAAGTATGTTTCTATAAATGGAAGGATAGACAAAGGGAAGGGAAGG-3'
Protein context (NP_056004.1, residues 445-465): FRNILDSDNY[Ser455Gly]PIPVTSEEMY